The following is an entry in ClinVar:

ClinVar aggregate classification (germline): Uncertain significance. Review status: criteria provided, multiple submitters, no conflicts (2 of 4 stars). 2 submissions from 2 submitters: Uncertain significance (2). Last evaluated 2026-09-11.

Conditions:
Cardiovascular phenotype. Identifiers: MedGen CN230736.
Hypertrophic cardiomyopathy. Also called: HYPERTROPHIC MYOCARDIOPATHY. Identifiers: Orphanet 217569, MedGen C0007194, MeSH D002312, MONDO:0005045, HP:0001639.

Allele frequency attached by ClinVar (database versions not stated): gnomAD exomes below 0.00001; gnomAD 0.00001.
gnomAD v4.1: 3 of 1,558,478 alleles (0.00019%); highest among the groups gnomAD compares: African/African-American, 0.0028%; no homozygotes.

Submissions (2):

Ambry Genetics
Classification: Uncertain significance for Cardiovascular phenotype. Last evaluated: 2026-09-11. Review status: criteria provided, single submitter. Criteria: Ambry Variant Classification Scheme 2023. Collection method: clinical testing. Allele origin: germline.
Comment: The p.G128V variant (also known as c.383G>T), located in coding exon 3 of the MYBPC3 gene, results from a G to T substitution at nucleotide position 383. The glycine at codon 128 is replaced by valine, an amino acid with dissimilar properties. This amino acid position is conserved. In addition, this alteration is predicted to be tolerated by in silico analysis. Based on the available evidence, the clinical significance of this variant remains unclear.

Labcorp Genetics (formerly Invitae), Labcorp
Classification: Uncertain significance for Hypertrophic cardiomyopathy. Last evaluated: 2024-11-11. Review status: criteria provided, single submitter. Criteria: Invitae Variant Classification Sherloc (09022015). Collection method: clinical testing. Allele origin: germline.
Comment: This sequence change replaces glycine, which is neutral and non-polar, with valine, which is neutral and non-polar, at codon 128 of the MYBPC3 protein (p.Gly128Val). The frequency data for this variant in the population databases is considered unreliable, as metrics indicate poor data quality at this position in the gnomAD database. This variant has not been reported in the literature in individuals affected with MYBPC3-related conditions. ClinVar contains an entry for this variant (Variation ID: 2474944). An algorithm developed to predict the effect of missense changes on protein structure and function (PolyPhen-2) suggests that this variant is likely to be tolerated. In summary, the available evidence is currently insufficient to determine the role of this variant in disease. Therefore, it has been classified as a Variant of Uncertain Significance.

NM_000256.3(MYBPC3):c.383G>T (p.Gly128Val)

Gene: MYBPC3 (myosin binding protein C3; minus strand). Cytogenetic location: 11p11.2.
Variant type: single nucleotide variant.
Coding change: c.383G>T on transcript NM_000256.3 (MANE Select); coding-DNA position 383, G replaced by T.
Protein change: p.Gly128Val; replaces glycine 128 with valine.
Molecular consequence: missense variant.
Genome position (GRCh38, 1-based): chr11:47,350,525, C>A on the plus strand (G>T on the coding strand, the complement: MYBPC3 is on the minus strand). VCF-style: chr11-47350525-C-A. GRCh37 (hg19) VCF-style: chr11-47372076-C-A.
Other names: short protein forms G128V.
Identifiers: ClinVar variation 2474944 (VCV002474944.5), dbSNP rs1271339420, ClinGen allele CA380340444.